The following is an entry in ClinVar:

NM_025114.4(CEP290):c.1908A>G (p.Lys636=)

Gene: CEP290 (centrosomal protein 290; minus strand). Cytogenetic location: 12q21.32.
Variant type: single nucleotide variant.
Coding change: c.1908A>G on transcript NM_025114.4 (MANE Select); coding-DNA position 1908, A replaced by G.
Protein change: p.Lys636=; no amino-acid change (lysine 636 retained).
Molecular consequence: synonymous variant.
Genome position (GRCh38, 1-based): chr12:88,115,099, T>C on the plus strand (A>G on the coding strand, the complement: CEP290 is on the minus strand). VCF-style: chr12-88115099-T-C. GRCh37 (hg19) VCF-style: chr12-88508876-T-C.
Identifiers: ClinVar variation 2152453 (VCV002152453.2), dbSNP rs199747962, ClinGen allele CA481050730.

ClinVar aggregate classification (germline): Uncertain significance (1 of 4 stars; one submission).

Conditions:
Joubert syndrome. Also called: CEREBELLOPARENCHYMAL DISORDER IV; JOUBERT-BOLTSHAUSER SYNDROME; Familial aplasia of the vermis. Identifiers: Orphanet 475, MedGen C5979921, MONDO:0018772.
Nephronophthisis. Also called: Juvenile Nephronophthisis. Identifiers: Orphanet 655, MedGen C0687120, MONDO:0019005, HP:0000090.
Meckel-Gruber syndrome. Also called: DYSENCEPHALIA SPLANCHNOCYSTICA; GRUBER SYNDROME; Dysencephalia splachnocystica. Identifiers: Orphanet 564, MedGen C0265215, MONDO:0018921.

gnomAD v4.1: 2 of 1,400,870 alleles (0.00014%); highest among the groups gnomAD compares: Non-Finnish European, 0.000098%; no homozygotes.

Submission:

Labcorp Genetics (formerly Invitae), Labcorp
Classification: Uncertain significance for Joubert syndrome; Meckel-Gruber syndrome; Nephronophthisis. Last evaluated: 2024-01-22. Review status: criteria provided, single submitter. Criteria: Invitae Variant Classification Sherloc (09022015). Collection method: clinical testing. Allele origin: germline.
Comment: This sequence change affects codon 636 of the CEP290 mRNA. It is a 'silent' change, meaning that it does not change the encoded amino acid sequence of the CEP290 protein. It affects a nucleotide within the consensus splice site. This variant is not present in population databases (gnomAD no frequency). This variant has not been reported in the literature in individuals affected with CEP290-related conditions. ClinVar contains an entry for this variant (Variation ID: 2152453). Algorithms developed to predict the effect of sequence changes on RNA splicing suggest that this variant is not likely to affect RNA splicing. In summary, the available evidence is currently insufficient to determine the role of this variant in disease. Therefore, it has been classified as a Variant of Uncertain Significance.